The following is an entry in ClinVar:

ClinVar aggregate classification (germline): Uncertain significance (1 of 4 stars; one submission).

Conditions:
Joubert syndrome. Also called: CEREBELLOPARENCHYMAL DISORDER IV; JOUBERT-BOLTSHAUSER SYNDROME; Familial aplasia of the vermis. Identifiers: Orphanet 475, MedGen C5979921, MONDO:0018772.
Meckel-Gruber syndrome. Also called: DYSENCEPHALIA SPLANCHNOCYSTICA; GRUBER SYNDROME; Dysencephalia splachnocystica. Identifiers: Orphanet 564, MedGen C0265215, MONDO:0018921.

Allele frequency attached by ClinVar (database versions not stated): gnomAD exomes below 0.00001.
gnomAD v4.1: 1 of 1,540,742 alleles (0.000065%); highest among the groups gnomAD compares: Non-Finnish European, 0.000089%; no homozygotes.

Submission:

Labcorp Genetics (formerly Invitae), Labcorp
Classification: Uncertain significance for Joubert syndrome; Meckel-Gruber syndrome. Last evaluated: 2022-05-12. Review status: criteria provided, single submitter. Criteria: Invitae Variant Classification Sherloc (09022015). Collection method: clinical testing. Allele origin: germline.
Comment: This variant is not present in population databases (gnomAD no frequency). In summary, the available evidence is currently insufficient to determine the role of this variant in disease. Therefore, it has been classified as a Variant of Uncertain Significance. Advanced modeling of protein sequence and biophysical properties (such as structural, functional, and spatial information, amino acid conservation, physicochemical variation, residue mobility, and thermodynamic stability) performed at Invitae indicates that this missense variant is not expected to disrupt TMEM67 protein function. This variant has not been reported in the literature in individuals affected with TMEM67-related conditions. This sequence change replaces tyrosine, which is neutral and polar, with cysteine, which is neutral and slightly polar, at codon 973 of the TMEM67 protein (p.Tyr973Cys).

NM_153704.6(TMEM67):c.2918A>G (p.Tyr973Cys)

Gene: TMEM67 (transmembrane protein 67; plus strand). Cytogenetic location: 8q22.1.
Variant type: single nucleotide variant.
Coding change: c.2918A>G on transcript NM_153704.6 (MANE Select); coding-DNA position 2918, A replaced by G.
Protein change: p.Tyr973Cys; replaces tyrosine 973 with cysteine.
Molecular consequence: missense variant. On other transcripts: non-coding transcript variant (1).
Genome position (GRCh38, 1-based): chr8:93,816,382, A>G. VCF-style: chr8-93816382-A-G. GRCh37 (hg19) VCF-style: chr8-94828610-A-G.
Other names: c.2675A>G, p.Tyr892Cys (NM_001142301.1); short protein forms Y892C, Y973C.
Identifiers: ClinVar variation 1993338 (VCV001993338.4), dbSNP rs2536971329, ClinGen allele CA371701509.